The following is an entry in ClinVar:

ClinVar aggregate classification (germline): Uncertain significance (1 of 4 stars; one submission).

Conditions:
Cardiovascular phenotype. Identifiers: MedGen CN230736.

Submission:

Ambry Genetics
Classification: Uncertain significance for Cardiovascular phenotype. Last evaluated: 2024-12-21. Review status: criteria provided, single submitter. Criteria: Ambry Variant Classification Scheme 2023. Collection method: clinical testing. Allele origin: germline.
Comment: The p.I3893T variant (also known as c.11678T>C), located in coding exon 49 of the AKAP9 gene, results from a T to C substitution at nucleotide position 11678. The isoleucine at codon 3893 is replaced by threonine, an amino acid with similar properties. This amino acid position is conserved. In addition, this alteration is predicted to be tolerated by in silico analysis. Based on the available evidence, the clinical significance of this variant remains unclear.

NM_005751.5(AKAP9):c.11678T>C (p.Ile3893Thr)

Gene: AKAP9 (A-kinase anchoring protein 9; plus strand). Cytogenetic location: 7q21.2.
Variant type: single nucleotide variant.
Coding change: c.11678T>C on transcript NM_005751.5 (MANE Select); coding-DNA position 11678, T replaced by C.
Protein change: p.Ile3893Thr; replaces isoleucine 3893 with threonine.
Molecular consequence: missense variant.
Genome position (GRCh38, 1-based): chr7:92,108,625, T>C. VCF-style: chr7-92108625-T-C. GRCh37 (hg19) VCF-style: chr7-91737939-T-C.
Other names: c.6323T>C, p.Ile2108Thr (NM_001379277.1); c.11654T>C, p.Ile3885Thr (NM_147185.3); short protein forms I2108T, I3893T, I3885T.
Identifiers: ClinVar variation 3849252 (VCV003849252.1).